The following is an entry in ClinVar:

NM_014254.3(RXYLT1):c.1019_1020delinsTT (p.Arg340Leu)

Gene: RXYLT1 (ribitol xylosyltransferase 1; plus strand). Cytogenetic location: 12q14.2.
Variant type: Indel.
Coding change: c.1019_1020delinsTT on transcript NM_014254.3 (MANE Select); coding-DNA positions 1019 to 1020, GA replaced by TT.
Protein change: p.Arg340Leu; replaces arginine 340 with leucine.
Molecular consequence: missense variant.
Genome position (GRCh38, 1-based): chr12:63,808,779-63,808,780, GA replaced by TT. VCF-style: chr12-63808779-GA-TT. GRCh37 (hg19) VCF-style: chr12-64202559-GA-TT.
Other names: c.239_240delinsTT, p.Arg80Leu (NM_001278237.2); short protein forms R340L, R80L.
Identifiers: ClinVar variation 39605 (VCV000039605.8), dbSNP rs397514544, ClinGen allele CA130400.

ClinVar aggregate classification (germline): Uncertain significance. Review status: criteria provided, single submitter (1 of 4 stars). 2 submissions from 2 submitters: Uncertain significance (1). 1 of the submissions does not count toward it. Last evaluated 2020-02-15.

Conditions:
Muscular dystrophy-dystroglycanopathy (congenital with brain and eye anomalies), type a, 10 (MDDGA10). Also called: WALKER-WARBURG SYNDROME OR MUSCLE-EYE-BRAIN DISEASE, TMEM5-RELATED. Identifiers: Orphanet 899, MedGen C3554381, MONDO:0014022, OMIM 615041.

Submissions (2):

Labcorp Genetics (formerly Invitae), Labcorp
Classification: Uncertain significance. Last evaluated: 2020-02-15. Review status: criteria provided, single submitter. Criteria: Invitae Variant Classification Sherloc (09022015). Collection method: clinical testing. Allele origin: germline.
Comment: This sequence change replaces arginine with leucine at codon 340 of the TMEM5 protein (p.Arg340Leu). The arginine residue is highly conserved and there is a moderate physicochemical difference between arginine and leucine. This variant is not present in population databases (ExAC no frequency). This variant has been observed on the opposite chromosome (in trans) from another pathogenic variant in an individual affected with congenital muscular dystrophy-dystroglycanopathy (PMID: 23217329). This finding is consistent with autosomal recessive inheritance, and suggests that this variant contributes to disease. ClinVar contains an entry for this variant (Variation ID: 39605). Experimental studies have shown that this missense change occurs abolishes TMEM5 xylosyltransferase activity in vitro (PMID: 27733679). In summary, the available evidence is currently insufficient to determine the role of this variant in disease. Therefore, it has been classified as a Variant of Uncertain Significance.

OMIM
Classification: Pathogenic for MUSCULAR DYSTROPHY-DYSTROGLYCANOPATHY (CONGENITAL WITH BRAIN AND EYE ANOMALIES), TYPE A, 10. Last evaluated: 2012-12-07. Review status: no assertion criteria provided. Collection method: literature only. Allele origin: germline. Not counted in ClinVar's aggregate classification.

Literature cited by the submitters: PubMed 23217329 (cited by Labcorp Genetics (formerly Invitae), Labcorp and OMIM); PubMed 27733679 (cited by Labcorp Genetics (formerly Invitae), Labcorp).